The following is an entry in ClinVar:

NM_033380.3(COL4A5):c.4997A>C (p.Lys1666Thr)

Gene: COL4A5 (collagen type IV alpha 5 chain; plus strand). Cytogenetic location: Xq22.3.
Variant type: single nucleotide variant.
Coding change: c.4997A>C on transcript NM_033380.3 (MANE Select); coding-DNA position 4997, A replaced by C.
Protein change: p.Lys1666Thr; replaces lysine 1666 with threonine.
Molecular consequence: missense variant.
Genome position (GRCh38, 1-based): chrX:108,696,299, A>C. VCF-style: chrX-108696299-A-C. GRCh37 (hg19) VCF-style: chrX-107939529-A-C.
Other names: c.4979A>C, p.Lys1660Thr (NM_000495.5); short protein forms K1660T, K1666T.
Identifiers: ClinVar variation 3236784 (VCV003236784.1), dbSNP rs1201574491.

ClinVar aggregate classification (germline): Uncertain significance (1 of 4 stars; one submission).

Conditions:
X-linked Alport syndrome (ATS1). Also called: NEPHROPATHY AND DEAFNESS, X-LINKED; COL4A5-Related Nephropathy. Identifiers: Orphanet 63, Orphanet 88917, MedGen C4746986, MONDO:0010520, OMIM 301050.

Allele frequency attached by ClinVar (database versions not stated): gnomAD exomes 0.00001.

Submission:

MVZ Medizinische Genetik Mainz
Classification: Uncertain significance for X-linked Alport syndrome. Last evaluated: 2021-12-06. Review status: criteria provided, single submitter. Criteria: UK Practice Guidelines For Variant Classification V4 01 2020. Collection method: clinical testing. Allele origin: germline. Inheritance: X-linked dominant inheritance. Affected: yes. Observed: 1 variant allele.
Comment: ACMG Criteria: PM1_SUP, PM2_SUP, PP3 (ACMG Version 3)